The following is an entry in ClinVar:

NM_001164508.2(NEB):c.9217_9218del (p.Arg3073fs)

Gene: NEB (nebulin; minus strand). Cytogenetic location: 2q23.3.
Variant type: Deletion.
Coding change: c.9217_9218del on transcript NM_001164508.2 (MANE Select); coding-DNA positions 9217 to 9218, 2 bases deleted (AG; older notation c.9217_9218delAG).
Protein change: p.Arg3073fs; shifts the reading frame from arginine 3073.
Molecular consequence: frameshift variant. On other transcripts: intron variant (1).
Genome position (GRCh38, 1-based): chr2:151,633,850-151,633,851, CT deleted on the plus strand (AG on the coding strand, the reverse complement: NEB is on the minus strand). VCF-style (leftmost placement, unchanged base first): chr2-151633849-CCT-C. GRCh37 (hg19) VCF-style: chr2-152490363-CCT-C.
Other names: c.9217_9218del, p.Arg3073fs (NM_001164507.2, NM_001271208.2); c.8854-2673_8854-2672del (NM_004543.5); short protein forms R3073fs.
Identifiers: ClinVar variation 662889 (VCV000662889.8), dbSNP rs1574526903, ClinGen allele CA915942852.
Genomic context (GRCh38, chr2:151,633,849, plus strand): 5'-CAGCATGTCCACTGGGCTGCTGAACTTGGTCTTCCACTTCTCAAAGTCCTTTTTGTACTC[CCT>C]GTCACTCTGGATCTTGGCTACGTGCATGGACCACATCATCTTGGGGTCATCTTCAATGTT-3'

ClinVar aggregate classification (germline): Pathogenic (1 of 4 stars; one submission).

Conditions:
Nemaline myopathy 2 (NEM2). Also called: Nemaline myopathy 2, autosomal recessive. Identifiers: MedGen C1850569, MONDO:0009725, OMIM 256030.

Submission:

Labcorp Genetics (formerly Invitae), Labcorp
Classification: Pathogenic for Nemaline myopathy 2. Last evaluated: 2023-04-28. Review status: criteria provided, single submitter. Criteria: Invitae Variant Classification Sherloc (09022015). Collection method: clinical testing. Allele origin: germline.
Comment: For these reasons, this variant has been classified as Pathogenic. ClinVar contains an entry for this variant (Variation ID: 662889). This variant has not been reported in the literature in individuals affected with NEB-related conditions. This variant is not present in population databases (gnomAD no frequency). This sequence change creates a premature translational stop signal (p.Arg3073Glyfs*7) in the NEB gene. It is expected to result in an absent or disrupted protein product. Loss-of-function variants in NEB are known to be pathogenic (PMID: 25205138).

Literature cited by the submitters: PubMed 25205138.